The following is an entry in ClinVar:

NC_000015.9:g.(?_26792940)_(27020442_?)del

Gene: GABRB3 (gamma-aminobutyric acid type A receptor subunit beta3; minus strand). Cytogenetic location: 15q12.
Variant type: Deletion.
Identifiers: ClinVar variation 1069675 (VCV001069675.1).

ClinVar aggregate classification (germline): Pathogenic (1 of 4 stars; one submission).

Conditions:
Epilepsy, childhood absence, susceptibility to, 5. Identifiers: Orphanet 64280, MedGen C2677087, MONDO:0012843, OMIM 612269.
Epilepsy, childhood absence, susceptibility to, 1. Also called: Epilepsy, childhood absence 1. Identifiers: Orphanet 64280, MedGen C1838604, MONDO:0020759, OMIM 600131.

Submission:

Labcorp Genetics (formerly Invitae), Labcorp
Classification: Pathogenic for Epilepsy, childhood absence, susceptibility to, 5; Epilepsy, childhood absence, susceptibility to, 1. Last evaluated: 2020-10-24. Review status: criteria provided, single submitter. Criteria: Invitae Variant Classification Sherloc (09022015). Collection method: clinical testing. Allele origin: germline.
Comment: A gross deletion of the genomic region encompassing the full coding sequence of the GABRB3 gene has been identified. The boundaries of this event are unknown as the deletion extends beyond the assayed region for this gene and therefore may encompass additional genes. Gross deletions of the GABRB3 gene have been previously described in individuals affected with Angelman syndrome (PMID: 11198279). In each of these cases, however, the deletion event also spanned the entire coding sequence of the UBE3A gene. ClinVar contains an entry for a similar variant (Variation ID: 238187). Loss-of-function variants in GABRB3 are known to be pathogenic (PMID: 26950270, 28053010). For these reasons, this variant has been classified as Pathogenic.

Literature cited by the submitters: PubMed 11198279; PubMed 26950270; PubMed 28053010.